The following is an entry in ClinVar:

ClinVar aggregate classification (germline): Uncertain significance (1 of 4 stars; one submission).

Allele frequency attached by ClinVar (database versions not stated): TOPMed below 0.00001.

Submission:

GeneDx
Classification: Uncertain significance. Last evaluated: 2021-02-08. Review status: criteria provided, single submitter. Criteria: GeneDx Variant Classification Process June 2021. Collection method: clinical testing. Allele origin: germline. Affected: yes.
Comment: Not observed in large population cohorts (Lek et al., 2016); In silico analysis supports that this missense variant has a deleterious effect on protein structure/function; Has not been previously published as pathogenic or benign to our knowledge

NM_001105247.2(ARMC5):c.2312C>T (p.Ser771Phe)

Gene: ARMC5 (armadillo repeat containing 5; plus strand). Cytogenetic location: 16p11.2.
Variant type: single nucleotide variant.
Coding change: c.2312C>T on transcript NM_001105247.2 (MANE Select); coding-DNA position 2312, C replaced by T.
Protein change: p.Ser771Phe; replaces serine 771 with phenylalanine.
Molecular consequence: missense variant. On other transcripts: 3 prime UTR variant (1).
Genome position (GRCh38, 1-based): chr16:31,466,393, C>T. VCF-style: chr16-31466393-C-T. GRCh37 (hg19) VCF-style: chr16-31477714-C-T.
Other names: c.2597C>T, p.Ser866Phe (NM_001288767.2); c.2408C>T, p.Ser803Phe (NM_001301820.1); c.*1192C>T (NM_024742.2); short protein forms S771F, S803F, S866F.
Identifiers: ClinVar variation 1313711 (VCV001313711.2), dbSNP rs71391216, ClinGen allele CA280645158.